The following is an entry in ClinVar:

ClinVar aggregate classification (germline): Uncertain significance (1 of 4 stars; one submission).

Conditions:
Inborn genetic diseases. Identifiers: MedGen C0950123, MeSH D030342.

gnomAD v4.1: 3 of 1,472,140 alleles (0.0002%); highest among the groups gnomAD compares: Non-Finnish European, 0.00027%; no homozygotes.

Submission:

Ambry Genetics
Classification: Uncertain significance for Inborn genetic diseases. Last evaluated: 2025-01-23. Review status: criteria provided, single submitter. Criteria: Ambry Variant Classification Scheme 2023. Collection method: clinical testing. Allele origin: germline.
Comment: The p.R140L variant (also known as c.419G>T), located in coding exon 1 of the SH2B3 gene, results from a G to T substitution at nucleotide position 419. The arginine at codon 140 is replaced by leucine, an amino acid with dissimilar properties. This amino acid position is conserved. In addition, this alteration is predicted to be tolerated by in silico analysis. Based on the available evidence, the clinical significance of this variant remains unclear.

NM_005475.3(SH2B3):c.419G>T (p.Arg140Leu)

Gene: SH2B3 (SH2B adaptor protein 3; plus strand). Cytogenetic location: 12q24.12.
Variant type: single nucleotide variant.
Coding change: c.419G>T on transcript NM_005475.3 (MANE Select); coding-DNA position 419, G replaced by T.
Protein change: p.Arg140Leu; replaces arginine 140 with leucine.
Molecular consequence: missense variant.
Genome position (GRCh38, 1-based): chr12:111,418,564, G>T. VCF-style: chr12-111418564-G-T. GRCh37 (hg19) VCF-style: chr12-111856368-G-T.
Other names: short protein forms R140L.
Identifiers: ClinVar variation 3795129 (VCV003795129.1).
Genomic context (GRCh38, chr12:111,418,564, plus strand): 5'-GCTCTGAGGAGCTGGCCCCGCCGCGGCCGCCCGGGCCCTGCTCCTTCCAGCACTTTCGCC[G>T]CAGCCTCCGCCACATCTTCCGCCGCCGCTCGGCCGGGGAGCTGCCAGCGGCCCACACCGC-3'
Protein context (NP_005466.1, residues 130-150): PGPCSFQHFR[Arg140Leu]SLRHIFRRRS